The following is an entry in ClinVar:

ClinVar aggregate classification (germline): Benign. Review status: reviewed by expert panel (3 of 4 stars). 2 submissions from 2 submitters: Benign (1). 1 of the submissions does not count toward it. Last evaluated 2015-01-12.

Conditions:
Breast-ovarian cancer, familial, susceptibility to, 1 (BROVCA1). Also called: BRCA1 Hereditary Breast and Ovarian Cancer; OVARIAN CANCER, SUSCEPTIBILITY TO. Identifiers: Orphanet 145, MedGen C2676676, MONDO:0011450, OMIM 604370. Disease mechanism: loss of function.

Allele frequency attached by ClinVar (database versions not stated): 1000 Genomes Project 30x 0.00406; gnomAD 0.00471 and 0.00510; 1000 Genomes Project 0.00499; TOPMed 0.00519.
gnomAD v4.1: 708 of 152,308 alleles (0.46%); highest among the groups gnomAD compares: African/African-American, 1.6%; 10 homozygotes.

Submissions (2):

Evidence-based Network for the Interpretation of Germline Mutant Alleles (ENIGMA)
Classification: Benign for Breast-ovarian cancer, familial 1. Last evaluated: 2015-01-12. Review status: reviewed by expert panel. Criteria: ENIGMA BRCA1/2 Classification Criteria (2015). Collection method: curation. Allele origin: germline.
Comment: Class 1 not pathogenic based on frequency >1% in an outbred sampleset. Frequency 0.02033 (African), derived from 1000 genomes (2012-04-30).

GeneDx
Classification: Likely benign. Last evaluated: 2018-06-26. Review status: criteria provided, single submitter. Criteria: GeneDx Variant Classification Process June 2021. Collection method: clinical testing. Allele origin: germline. Affected: yes. Not counted in ClinVar's aggregate classification.

NM_007294.4(BRCA1):c.81-189A>T

Gene: BRCA1 (BRCA1 DNA repair associated; minus strand). Cytogenetic location: 17q21.31.
Variant type: single nucleotide variant.
Coding change: c.81-189A>T on transcript NM_007294.4 (MANE Select); 189 bases into the intron before coding-DNA position 81, A replaced by T.
Molecular consequence: intron variant.
Genome position (GRCh38, 1-based): chr17:43,115,968, T>A on the plus strand (A>T on the coding strand, the complement: BRCA1 is on the minus strand). VCF-style: chr17-43115968-T-A. GRCh37 (hg19) VCF-style: chr17-41267985-T-A.
Other names: IVS 2-189A>T; c.-61-189A>T (NM_001408458.1, NM_001408470.1, NM_001407848.1 and 47 more transcripts); c.-219+9309A>T (NM_001407967.1); c.-170+9309A>T (NM_001407959.1); c.-8+9309A>T (NM_001407931.1, NM_001407747.1); c.-223-189A>T (NM_001407962.1, NM_001408512.1, NM_001408510.1 and 1 more transcripts); c.-108-189A>T (NM_001407885.1, NM_001407886.1, NM_001408509.1 and 52 more transcripts); c.-177-189A>T (NM_001407746.1, NM_001408468.1, NM_001407842.1 and 13 more transcripts); and 12 more.
Identifiers: ClinVar variation 209536 (VCV000209536.5), dbSNP rs113046417, ClinGen allele CA276505.